The following is an entry in ClinVar:

NM_001303052.2(MYT1L):c.2032+5G>A

Gene: MYT1L (myelin transcription factor 1 like; minus strand). Cytogenetic location: 2p25.3.
Variant type: single nucleotide variant.
Coding change: c.2032+5G>A on transcript NM_001303052.2 (MANE Select); 5 bases into the intron after coding-DNA position 2032, G replaced by A.
Molecular consequence: intron variant.
Genome position (GRCh38, 1-based): chr2:1,903,075, C>T on the plus strand (G>A on the coding strand, the complement: MYT1L is on the minus strand). VCF-style: chr2-1903075-C-T. GRCh37 (hg19) VCF-style: chr2-1906847-C-T.
Other names: c.2026+5G>A (NM_015025.4, NM_001329847.2, NM_001329848.1 and 3 more transcripts); c.2032+5G>A (NM_001329844.2, NM_001329845.1, NM_001329851.3).
Identifiers: ClinVar variation 546543 (VCV000546543.2), dbSNP rs1553308328, ClinGen allele CA658822162.
Genomic context (GRCh38, chr2:1,903,075, plus strand): 5'-TATACACAACAACAACATCATCAATGGCAACGTGTCTCTCATGTATAAGAGTGTGCACCT[C>T]CTACCATCATCATATCCTTTGGGGGATATATCCCTGGTTTGCACCTTGGGAGCTATGGCT-3'

ClinVar aggregate classification (germline): Likely pathogenic (1 of 4 stars; one submission).

Submission:

GeneDx
Classification: Likely pathogenic. Last evaluated: 2018-05-29. Review status: criteria provided, single submitter. Criteria: GeneDx Variant Classification (06012015). Collection method: clinical testing. Allele origin: germline. Affected: yes.
Comment: A variant that is likely pathogenic has been identified in the MYT1L gene. The c.2026+5G>A variant has not been reported previously as a pathogenic variant nor as a benign variant, to our knowledge. This variant is predicted to destroy the splice donor site in intron 14, and is expected to cause abnormal gene splicing. The c.2026+5G>A variant is not observed in large population cohorts (Lek et al., 2016). Therefore, this variant is likely pathogenic; however, the possibility that it is benign cannot be excluded.